The following is an entry in ClinVar:

NM_000238.4(KCNH2):c.1956T>C (p.Tyr652=)

Gene: KCNH2 (potassium voltage-gated channel subfamily H member 2; minus strand). Cytogenetic location: 7q36.1.
Variant type: single nucleotide variant.
Coding change: c.1956T>C on transcript NM_000238.4 (MANE Select); coding-DNA position 1956, T replaced by C.
Protein change: p.Tyr652=; no amino-acid change (tyrosine 652 retained).
Molecular consequence: synonymous variant. On other transcripts: non-coding transcript variant (2).
Genome position (GRCh38, 1-based): chr7:150,951,110, A>G on the plus strand (T>C on the coding strand, the complement: KCNH2 is on the minus strand). VCF-style: chr7-150951110-A-G. GRCh37 (hg19) VCF-style: chr7-150648198-A-G.
Other names: p.Y652Y:TAT>TAC; p.Tyr652=; c.936T>C, p.Tyr312= (NM_001204798.2, NM_172057.3); c.1668T>C, p.Tyr556= (NM_001406753.1, NM_001406756.1); c.1779T>C, p.Tyr593= (NM_001406755.1); c.1656T>C, p.Tyr552= (NM_001406757.1); c.1956T>C, p.Tyr652= (NM_172056.3).
Identifiers: ClinVar variation 200230 (VCV000200230.57), dbSNP rs1137617, ClinGen allele CA006099.

ClinVar aggregate classification (germline): Benign. Review status: criteria provided, multiple submitters, no conflicts (2 of 4 stars). 20 submissions from 20 submitters: Benign (14). 6 of the submissions do not count toward it. Last evaluated 2026-02-04.

Conditions:
Cardiovascular phenotype. Identifiers: MedGen CN230736.
Cardiac arrhythmia. Also called: Cardiac rhythm disease; Arrhythmia. Identifiers: MedGen C0003811, MONDO:0007263, HP:0011675.
Long QT syndrome (LQTS). Identifiers: MedGen C0023976, MeSH D008133, MONDO:0002442. Disease mechanism: loss of function. Inheritance: Various modes of inheritance.
Long QT syndrome 2 (LQT2). Identifiers: Orphanet 101016, Orphanet 768, MedGen C3150943, MONDO:0013367, OMIM 613688.

Allele frequency attached by ClinVar (database versions not stated): gnomAD exomes 0.66271 and 0.62926; ExAC 0.66584; ESP Exome Variant Server 0.69045; gnomAD 0.70246 and 0.70278; TOPMed 0.71177; 1000 Genomes Project 0.77216; 1000 Genomes Project 30x 0.77452.
gnomAD v4.1: 1,024,647 of 1,608,930 alleles (64%); highest among the groups gnomAD compares: East Asian, 91%; 331,619 homozygotes.

Submissions (20):

Labcorp Genetics (formerly Invitae), Labcorp
Classification: Benign for Long QT syndrome. Last evaluated: 2026-02-04. Review status: criteria provided, single submitter. Criteria: Invitae Variant Classification Sherloc (09022015). Collection method: clinical testing. Allele origin: germline.

Athena Diagnostics
Classification: Benign. Last evaluated: 2025-08-26. Review status: criteria provided, single submitter. Criteria: Athena Diagnostics Criteria. Collection method: clinical testing. Allele origin: unknown.
Comment: The frequency of this variant in the general population is higher than would generally be expected for pathogenic variants in this gene.

ARUP Laboratories, Molecular Genetics and Genomics, ARUP Laboratories
Classification: Benign. Last evaluated: 2025-07-28. Review status: criteria provided, single submitter. Criteria: ARUP Molecular Germline Variant Investigation Process 2024. Collection method: clinical testing. Allele origin: germline.

Blueprint Genetics
Classification: Benign. Last evaluated: 2024-11-27. Review status: criteria provided, single submitter. Criteria: ACMG Guidelines, 2015. Collection method: clinical testing. Allele origin: germline.

Genome-Nilou Lab
Classification: Benign for Long QT syndrome 2. Last evaluated: 2021-08-19. Review status: criteria provided, single submitter. Criteria: ACMG Guidelines, 2015. Collection method: clinical testing. Allele origin: germline. Affected: no.

Molecular Diagnostic Laboratory for Inherited Cardiovascular Disease, Montreal Heart Institute
Classification: Benign. Last evaluated: 2020-05-31. Review status: criteria provided, single submitter. Criteria: ACMG Guidelines, 2015. Collection method: clinical testing. Allele origin: germline. Affected: yes.

Laboratory for Molecular Medicine, Mass General Brigham Personalized Medicine
Classification: Benign. Last evaluated: 2019-03-05. Review status: criteria provided, single submitter. Criteria: LMM Criteria. Collection method: clinical testing. Allele origin: germline. Observed: 1 variant allele.
Comment: The c.1956T>C (p.Tyr652Tyr) variant in KCNH2 is classified as benign because it has been found in 67% (186322/279284) of chromosomes, including 63675 homozygotes, by the Genome Aggregation Database.

Color Diagnostics, LLC DBA Color Health
Classification: Benign for Arrhythmia. Last evaluated: 2018-03-15. Review status: criteria provided, single submitter. Criteria: ACMG Guidelines, 2015. Collection method: clinical testing. Allele origin: germline.

Illumina Laboratory Services, Illumina
Classification: Benign for Long QT syndrome 2. Last evaluated: 2018-01-12. Review status: criteria provided, single submitter. Criteria: ICSL Variant Classification Criteria 13 December 2019. Collection method: clinical testing. Allele origin: germline.
Comment: This variant was observed in the ICSL laboratory as part of a predisposition screen in an ostensibly healthy population. It had not been previously curated by ICSL or reported in the Human Gene Mutation Database (HGMD: prior to June 1st, 2018), and was therefore a candidate for classification through an automated scoring system. Utilizing variant allele frequency, disease prevalence and penetrance estimates, and inheritance mode, an automated score was calculated to assess if this variant is too frequent to cause the disease. Based on the score and internal cut-off values, a variant classified as benign is not then subjected to further curation. The score for this variant resulted in a classification of benign for this disease.

Ambry Genetics
Classification: Benign for Cardiovascular phenotype. Last evaluated: 2015-02-19. Review status: criteria provided, single submitter. Criteria: Ambry Autosomal Dominant and X-Linked criteria (10/2015). Collection method: clinical testing. Allele origin: germline. Observed: 1 variant allele.

Mayo Clinic Laboratories, Mayo Clinic
Classification: Benign. Last evaluated: 2014-12-11. Review status: criteria provided, single submitter. Criteria: ACMG Guidelines, 2015. Collection method: clinical testing. Allele origin: germline. Observed: 1,258 variant alleles.

GeneDx
Classification: Benign. Last evaluated: 2012-04-12. Review status: criteria provided, single submitter. Criteria: GeneDx Variant Classification (06012015). Collection method: clinical testing. Allele origin: germline. Affected: yes.
Comment: This variant is considered likely benign or benign based on one or more of the following criteria: it is a conservative change, it occurs at a poorly conserved position in the protein, it is predicted to be benign by multiple in silico algorithms, and/or has population frequency not consistent with disease.

Breakthrough Genomics
Classification: Benign. Review status: criteria provided, single submitter. Criteria: ACMG Guidelines, 2015. Collection method: not provided. Allele origin: germline. Inheritance: Autosomal dominant inheritance. Affected: yes.

PreventionGenetics, part of Exact Sciences
Classification: Benign. Review status: criteria provided, single submitter. Criteria: ACMG Guidelines, 2015. Collection method: clinical testing. Allele origin: germline.

Cohesion Phenomics
Classification: Benign for Long QT syndrome. Last evaluated: 2022-09-23. Review status: no assertion criteria provided. Criteria: ACMG Guidelines, 2015. Collection method: clinical testing. Allele origin: germline. Affected: yes. Not counted in ClinVar's aggregate classification.

Clinical Genetics DNA and cytogenetics Diagnostics Lab, Erasmus MC, Erasmus Medical Center
Classification: Benign. Review status: no assertion criteria provided. Collection method: clinical testing. Allele origin: germline. Affected: yes. Study: VKGL Data-share Consensus. Not counted in ClinVar's aggregate classification.

Clinical Genetics, Academic Medical Center
Classification: Benign. Review status: no assertion criteria provided. Collection method: clinical testing. Allele origin: germline. Affected: yes. Study: VKGL Data-share Consensus. Not counted in ClinVar's aggregate classification.

Diagnostic Laboratory, Department of Genetics, University Medical Center Groningen
Classification: Benign. Review status: no assertion criteria provided. Collection method: clinical testing. Allele origin: germline. Affected: yes. Study: VKGL Data-share Consensus. Not counted in ClinVar's aggregate classification.

Genome Diagnostics Laboratory, University Medical Center Utrecht
Classification: Benign. Review status: no assertion criteria provided. Collection method: clinical testing. Allele origin: germline. Affected: yes. Study: VKGL Data-share Consensus. Not counted in ClinVar's aggregate classification.

Joint Genome Diagnostic Labs from Nijmegen and Maastricht, Radboudumc and MUMC+
Classification: Benign. Review status: no assertion criteria provided. Collection method: clinical testing. Allele origin: germline. Affected: yes. Study: VKGL Data-share Consensus. Not counted in ClinVar's aggregate classification.

Literature cited by the submitters: PubMed 21779290 (cited by Athena Diagnostics); PubMed 21063070 (cited by Athena Diagnostics); PubMed 21109023 (cited by Athena Diagnostics); PubMed 10807545 (cited by Athena Diagnostics); PubMed 14760488 (cited by Athena Diagnostics); PubMed 25028483 (cited by Athena Diagnostics); PubMed 17224687 (cited by Athena Diagnostics).